The following is an entry in ClinVar:

NM_152594.3(SPRED1):c.518T>G (p.Ile173Arg)

Gene: SPRED1 (sprouty related EVH1 domain containing 1; plus strand). Cytogenetic location: 15q14.
Variant type: single nucleotide variant.
Coding change: c.518T>G on transcript NM_152594.3 (MANE Select); coding-DNA position 518, T replaced by G.
Protein change: p.Ile173Arg; replaces isoleucine 173 with arginine.
Molecular consequence: missense variant.
Genome position (GRCh38, 1-based): chr15:38,339,831, T>G. VCF-style: chr15-38339831-T-G. GRCh37 (hg19) VCF-style: chr15-38632032-T-G.
Other names: short protein forms I173R.
Identifiers: ClinVar variation 4174041 (VCV004174041.1).

ClinVar aggregate classification (germline): Uncertain significance (1 of 4 stars; one submission).

Conditions:
Cardiovascular phenotype. Identifiers: MedGen CN230736.

gnomAD v4.1: 1 of 1,613,854 alleles (0.000062%); highest among the groups gnomAD compares: African/African-American, 0.0013%; no homozygotes.

Submission:

Ambry Genetics
Classification: Uncertain significance for Cardiovascular phenotype. Last evaluated: 2025-07-29. Review status: criteria provided, single submitter. Criteria: Ambry Variant Classification Scheme 2023. Collection method: clinical testing. Allele origin: germline.
Comment: The p.I173R variant (also known as c.518T>G), located in coding exon 5 of the SPRED1 gene, results from a T to G substitution at nucleotide position 518. The isoleucine at codon 173 is replaced by arginine, an amino acid with similar properties. This amino acid position is conserved. In addition, this alteration is predicted to be tolerated by in silico analysis. Based on the available evidence, the clinical significance of this variant remains unclear.